The following is an entry in ClinVar:

ClinVar aggregate classification (germline): Uncertain significance (1 of 4 stars; one submission).

Submission:

Labcorp Genetics (formerly Invitae), Labcorp
Classification: Uncertain significance. Last evaluated: 2025-01-29. Review status: criteria provided, single submitter. Criteria: Invitae Variant Classification Sherloc (09022015). Collection method: clinical testing. Allele origin: germline.
Comment: This sequence change replaces leucine, which is neutral and non-polar, with serine, which is neutral and polar, at codon 676 of the TRRAP protein (p.Leu676Ser). This variant is not present in population databases (gnomAD no frequency). This variant has not been reported in the literature in individuals affected with TRRAP-related conditions. Invitae Evidence Modeling of protein sequence and biophysical properties (such as structural, functional, and spatial information, amino acid conservation, physicochemical variation, residue mobility, and thermodynamic stability) indicates that this missense variant is expected to disrupt TRRAP protein function with a positive predictive value of 80%. In summary, the available evidence is currently insufficient to determine the role of this variant in disease. Therefore, it has been classified as a Variant of Uncertain Significance.

NM_001375524.1(TRRAP):c.2027T>C (p.Leu676Ser)

Gene: TRRAP (transformation/transcription domain associated protein; plus strand). Cytogenetic location: 7q22.1.
Variant type: single nucleotide variant.
Coding change: c.2027T>C on transcript NM_001375524.1 (MANE Select); coding-DNA position 2027, T replaced by C.
Protein change: p.Leu676Ser; replaces leucine 676 with serine.
Molecular consequence: missense variant.
Genome position (GRCh38, 1-based): chr7:98,912,041, T>C. VCF-style: chr7-98912041-T-C. GRCh37 (hg19) VCF-style: chr7-98509664-T-C.
Other names: c.2027T>C, p.Leu676Ser (NM_003496.4, NM_001244580.2); short protein forms L676S.
Identifiers: ClinVar variation 3668719 (VCV003668719.2).